The following is an entry in ClinVar:

ClinVar aggregate classification (germline): Uncertain significance (1 of 4 stars; one submission).

Conditions:
Combined immunodeficiency due to DOCK8 deficiency (HIES2). Also called: HIES autosomal recessive; Hyper-IgE recurrent infection syndrome, autosomal recessive; HYPER-IgE SYNDROME 2, AUTOSOMAL RECESSIVE, WITH RECURRENT INFECTIONS; DOCK8 Deficiency; HYPER-IgE RECURRENT INFECTION SYNDROME 2, AUTOSOMAL RECESSIVE. Identifiers: Orphanet 217390, MedGen C4722305, MONDO:0009478, OMIM 243700.

Submission:

Labcorp Genetics (formerly Invitae), Labcorp
Classification: Uncertain significance for Combined immunodeficiency due to DOCK8 deficiency. Last evaluated: 2022-08-16. Review status: criteria provided, single submitter. Criteria: Invitae Variant Classification Sherloc (09022015). Collection method: clinical testing. Allele origin: germline.
Comment: This variant has not been reported in the literature in individuals affected with DOCK8-related conditions. In summary, the available evidence is currently insufficient to determine the role of this variant in disease. Therefore, it has been classified as a Variant of Uncertain Significance. Algorithms developed to predict the effect of missense changes on protein structure and function are either unavailable or do not agree on the potential impact of this missense change (SIFT: "Deleterious"; PolyPhen-2: "Probably Damaging"; Align-GVGD: "Class C0"). ClinVar contains an entry for this variant (Variation ID: 1349256). This variant is not present in population databases (gnomAD no frequency). This sequence change replaces leucine, which is neutral and non-polar, with phenylalanine, which is neutral and non-polar, at codon 1100 of the DOCK8 protein (p.Leu1100Phe).

NM_203447.4(DOCK8):c.3298C>T (p.Leu1100Phe)

Gene: DOCK8 (dedicator of cytokinesis 8; plus strand). Cytogenetic location: 9p24.3.
Variant type: single nucleotide variant.
Coding change: c.3298C>T on transcript NM_203447.4 (MANE Select); coding-DNA position 3298, C replaced by T.
Protein change: p.Leu1100Phe; replaces leucine 1100 with phenylalanine.
Molecular consequence: missense variant.
Genome position (GRCh38, 1-based): chr9:404,981, C>T. VCF-style: chr9-404981-C-T. GRCh37 (hg19) VCF-style: chr9-404981-C-T.
Other names: c.2998C>T, p.Leu1000Phe (NM_001190458.2); c.3094C>T, p.Leu1032Phe (NM_001193536.2); short protein forms L1032F, L1100F, L1000F.
Identifiers: ClinVar variation 1349256 (VCV001349256.8), dbSNP rs1476495561, ClinGen allele CA372757778.